The following is an entry in ClinVar:

ClinVar aggregate classification (germline): Benign. Review status: criteria provided, single submitter (1 of 4 stars). 2 submissions from 2 submitters: Benign (1). 1 of the submissions does not count toward it. Last evaluated 2018-07-10.

Conditions:
ROBO3-related disorder. Also called: ROBO3-related condition.

Allele frequency attached by ClinVar (database versions not stated): TOPMed 0.00013; ESP Exome Variant Server 0.00016; 1000 Genomes Project 30x 0.00109; gnomAD exomes 0.00110 and 0.00292; 1000 Genomes Project 0.00180; gnomAD 0.00244 and 0.00256; ExAC 0.00273.
gnomAD v4.1: 1,947 of 1,598,954 alleles (0.12%); highest among the groups gnomAD compares: Non-Finnish European, 0.0083%; 35 homozygotes.

Submissions (2):

Labcorp Genetics (formerly Invitae), Labcorp
Classification: Benign. Last evaluated: 2018-07-10. Review status: criteria provided, single submitter. Criteria: Invitae Variant Classification Sherloc (09022015). Collection method: clinical testing. Allele origin: germline.

PreventionGenetics, part of Exact Sciences
Classification: Benign for ROBO3-related condition. Last evaluated: 2020-02-24. Review status: no assertion criteria provided. Collection method: clinical testing. Allele origin: germline. Not counted in ClinVar's aggregate classification.
Comment: This variant is classified as benign based on ACMG/AMP sequence variant interpretation guidelines (Richards et al. 2015 PMID: 25741868, with internal and published modifications).

NM_022370.4(ROBO3):c.354G>A (p.Leu118=)

Gene: ROBO3 (roundabout guidance receptor 3; plus strand). Cytogenetic location: 11q24.2.
Variant type: single nucleotide variant.
Coding change: c.354G>A on transcript NM_022370.4 (MANE Select); coding-DNA position 354, G replaced by A.
Protein change: p.Leu118=; no amino-acid change (leucine 118 retained).
Molecular consequence: synonymous variant.
Genome position (GRCh38, 1-based): chr11:124,868,995, G>A. VCF-style: chr11-124868995-G-A. GRCh37 (hg19) VCF-style: chr11-124738891-G-A.
Identifiers: ClinVar variation 758454 (VCV000758454.5), dbSNP rs187438687, ClinGen allele CA6343147.
Genomic context (GRCh38, chr11:124,868,995, plus strand): 5'-CAAGAACGGGGCGCGTGTGGCCACTGTGCGGGAGGATCCGCGTGCGCACCGCCTGCTGCT[G>A]CCCAGCGGCGCCCTCTTCTTCCCGCGCATCGTGCACGGGCGCCGCGCGCGGCCGGACGAA-3'
Protein context (NP_071765.2, residues 108-128): REDPRAHRLL[Leu118=]PSGALFFPRI